The following is an entry in ClinVar:

ClinVar aggregate classification (germline): Likely pathogenic (1 of 4 stars; one submission).

Submission:

Dasa
Classification: Likely pathogenic. Last evaluated: 2024-09-03. Review status: criteria provided, single submitter. Criteria: DASA Assertion Criteria. Collection method: clinical testing. Allele origin: germline.
Comment: NM_152384.3(BBS5):c.258+1_258+2del is a splice-region variant predicted to affect normal RNA splicing. This variant is rare in population databases. Based on the currently available evidence, this variant is classified as likely pathogenic.

NM_152384.3(BBS5):c.258+1_258+2del

Gene: BBS5 (Bardet-Biedl syndrome 5; plus strand). Cytogenetic location: 2q31.1.
Variant type: Deletion.
Coding change: c.258+1_258+2del on transcript NM_152384.3 (MANE Select); the canonical splice donor site of the intron after coding-DNA position 258, 2 bases deleted (GT; older notation c.258+1_258+2delGT).
Molecular consequence: splice donor variant.
Genome position (GRCh38, 1-based): chr2:169,487,856-169,487,857, GT deleted; deleting any 2 consecutive bases within chr2:169,487,855-169,487,857 gives the same sequence; the c. name uses the placement nearest the transcript's 3' end. VCF-style (leftmost placement, unchanged base first): chr2-169487854-CTG-C. GRCh37 (hg19) VCF-style: chr2-170344364-CTG-C.
Identifiers: ClinVar variation 4880693 (VCV004880693.2).